The following is an entry in ClinVar:

ClinVar aggregate classification (germline): Likely benign (0 of 4 stars; one submission).

Conditions:
HBA1-related disorder. Also called: HBA1-related condition.

Submission:

PreventionGenetics, part of Exact Sciences
Classification: Likely benign for HBA1-related condition. Last evaluated: 2020-07-31. Review status: no assertion criteria provided. Collection method: clinical testing. Allele origin: germline.
Comment: This variant is classified as likely benign based on ACMG/AMP sequence variant interpretation guidelines (Richards et al. 2015 PMID: 25741868, with internal and published modifications).

NM_000558.5(HBA1):c.*1G>A

Genes: HBA1 (hemoglobin subunit alpha 1; plus strand), LOC106804613 (hemoglobin subunit alpha 1 recombination region; plus strand). Cytogenetic location: 16p13.3.
Variant type: single nucleotide variant.
Coding change: c.*1G>A on transcript NM_000558.5 (MANE Select); 1 bases downstream of the stop codon, G replaced by A.
Molecular consequence: 3 prime UTR variant.
Genome position (GRCh38, 1-based): chr16:177,412, G>A. VCF-style: chr16-177412-G-A. GRCh37 (hg19) VCF-style: chr16-227411-G-A.
Identifiers: ClinVar variation 3036580 (VCV003036580.2), dbSNP rs2505438514, ClinGen allele CA2740096800.